The following is an entry in ClinVar:

NM_000038.6(APC):c.2140A>G (p.Lys714Glu)

Gene: APC (APC regulator of Wnt signaling pathway; plus strand). Cytogenetic location: 5q22.2.
Variant type: single nucleotide variant.
Coding change: c.2140A>G on transcript NM_000038.6 (MANE Select); coding-DNA position 2140, A replaced by G.
Protein change: p.Lys714Glu; replaces lysine 714 with glutamic acid.
Molecular consequence: missense variant.
Genome position (GRCh38, 1-based): chr5:112,837,734, A>G. VCF-style: chr5-112837734-A-G. GRCh37 (hg19) VCF-style: chr5-112173431-A-G.
Other names: c.2140A>G, p.Lys714Glu (NM_001127510.3, NM_001354895.2); c.2086A>G, p.Lys696Glu (NM_001127511.3); c.2194A>G, p.Lys732Glu (NM_001354896.2); c.2170A>G, p.Lys724Glu (NM_001354897.2); c.2065A>G, p.Lys689Glu (NM_001354898.2); c.2056A>G, p.Lys686Glu (NM_001354899.2); c.2017A>G, p.Lys673Glu (NM_001354900.2); c.1963A>G, p.Lys655Glu (NM_001354901.2); and 5 more; short protein forms K714E, K696E, K613E, K554E, K588E, K623E, K686E, K732E.
Identifiers: ClinVar variation 485144 (VCV000485144.6), dbSNP rs1554083965, ClinGen allele CA16026010.

ClinVar aggregate classification (germline): Uncertain significance (1 of 4 stars; one submission).

Conditions:
Hereditary cancer-predisposing syndrome. Also called: Neoplastic Syndromes, Hereditary; Tumor predisposition; Hereditary Cancer Syndrome; Hereditary neoplastic syndrome. Identifiers: Orphanet 140162, MedGen C0027672, MeSH D009386, MONDO:0015356.

Submission:

Ambry Genetics
Classification: Uncertain significance for Hereditary cancer-predisposing syndrome. Last evaluated: 2024-04-25. Review status: criteria provided, single submitter. Criteria: Ambry Variant Classification Scheme 2023. Collection method: clinical testing. Allele origin: germline.
Comment: The p.K714E variant (also known as c.2140A>G), located in coding exon 15 of the APC gene, results from an A to G substitution at nucleotide position 2140. The lysine at codon 714 is replaced by glutamic acid, an amino acid with similar properties. This amino acid position is well conserved in available vertebrate species. In addition, in silico predictors for this gene do not accurately predict pathogenicity. Based on the available evidence, the clinical significance of this variant remains unclear.